The following is an entry in ClinVar:

NM_013266.4(CTNNA3):c.99G>A (p.Gln33=)

Gene: CTNNA3 (catenin alpha 3; minus strand). Cytogenetic location: 10q21.3.
Variant type: single nucleotide variant.
Coding change: c.99G>A on transcript NM_013266.4 (MANE Select); coding-DNA position 99, G replaced by A.
Protein change: p.Gln33=; no amino-acid change (glutamine 33 retained).
Molecular consequence: synonymous variant.
Genome position (GRCh38, 1-based): chr10:67,647,415, C>T on the plus strand (G>A on the coding strand, the complement: CTNNA3 is on the minus strand). VCF-style: chr10-67647415-C-T. GRCh37 (hg19) VCF-style: chr10-69407173-C-T.
Other names: c.99G>A, p.Gln33= (NM_001127384.3); c.135G>A, p.Gln45= (NM_001291133.2).
Identifiers: ClinVar variation 1399939 (VCV001399939.6), dbSNP rs1230378653, ClinGen allele CA469969795.

ClinVar aggregate classification (germline): Uncertain significance (1 of 4 stars; one submission).

Conditions:
Arrhythmogenic right ventricular dysplasia 13. Also called: Arrhythmogenic right ventricular dysplasia, familial, 13; ARRHYTHMOGENIC RIGHT VENTRICULAR CARDIOMYOPATHY 13. Identifiers: MedGen C3810138, MONDO:0000908, OMIM 615616.

Allele frequency attached by ClinVar (database versions not stated): TOPMed below 0.00001; gnomAD 0.00001.
gnomAD v4.1: 1 of 1,606,626 alleles (0.000062%); highest among the groups gnomAD compares: East Asian, 0.0022%; no homozygotes.

Submission:

Labcorp Genetics (formerly Invitae), Labcorp
Classification: Uncertain significance for Arrhythmogenic right ventricular dysplasia 13. Last evaluated: 2021-10-05. Review status: criteria provided, single submitter. Criteria: Invitae Variant Classification Sherloc (09022015). Collection method: clinical testing. Allele origin: germline.
Comment: In summary, the available evidence is currently insufficient to determine the role of this variant in disease. Therefore, it has been classified as a Variant of Uncertain Significance. Variants that disrupt the consensus splice site are a relatively common cause of aberrant splicing (PMID: 17576681, 9536098). Algorithms developed to predict the effect of sequence changes on RNA splicing suggest that this variant may disrupt the consensus splice site. This variant has not been reported in the literature in individuals affected with CTNNA3-related conditions. This variant is not present in population databases (ExAC no frequency). This sequence change affects codon 33 of the CTNNA3 mRNA. It is a 'silent' change, meaning that it does not change the encoded amino acid sequence of the CTNNA3 protein. This variant also falls at the last nucleotide of exon 2, which is part of the consensus splice site for this exon.

Literature cited by the submitters: PubMed 17576681; PubMed 9536098.